The following is an entry in ClinVar:

ClinVar aggregate classification (germline): Likely benign. Review status: criteria provided, multiple submitters, no conflicts (2 of 4 stars). 2 submissions from 2 submitters: Likely benign (2). Last evaluated 2021-08-27.

Conditions:
Hereditary diffuse gastric adenocarcinoma (HDGC). Also called: DIFFUSE GASTRIC AND LOBULAR BREAST CANCER SYNDROME. Identifiers: Orphanet 26106, MedGen C1708349, MONDO:0007648, OMIM 137215.

Allele frequency attached by ClinVar (database versions not stated): gnomAD exomes below 0.00001 and 0.00001; ExAC 0.00002.
gnomAD v4.1: 2 of 1,612,718 alleles (0.00012%); highest among the groups gnomAD compares: Non-Finnish European, 0.00017%; no homozygotes.

Submissions (2):

Labcorp Genetics (formerly Invitae), Labcorp
Classification: Likely benign for Hereditary diffuse gastric adenocarcinoma. Last evaluated: 2021-08-27. Review status: criteria provided, single submitter. Criteria: Invitae Variant Classification Sherloc (09022015). Collection method: clinical testing. Allele origin: germline.

GeneDx
Classification: Likely benign. Last evaluated: 2015-12-22. Review status: criteria provided, single submitter. Criteria: GeneDx Variant Classification (06012015). Collection method: clinical testing. Allele origin: germline. Affected: yes.
Comment: This variant is considered likely benign or benign based on one or more of the following criteria: it is a conservative change, it occurs at a poorly conserved position in the protein, it is predicted to be benign by multiple in silico algorithms, and/or has population frequency not consistent with disease.

NM_004360.5(CDH1):c.2440-11T>A

Gene: CDH1 (cadherin 1; plus strand). Cytogenetic location: 16q22.1.
Variant type: single nucleotide variant.
Coding change: c.2440-11T>A on transcript NM_004360.5 (MANE Select); 11 bases into the intron before coding-DNA position 2440, T replaced by A.
Molecular consequence: intron variant.
Genome position (GRCh38, 1-based): chr16:68,833,279, T>A. VCF-style: chr16-68833279-T-A. GRCh37 (hg19) VCF-style: chr16-68867182-T-A.
Other names: c.2440-11T>A (LRG_301t1); c.892-11T>A (NM_001317185.2); c.475-11T>A (NM_001317186.2); c.2257-11T>A (NM_001317184.2).
Identifiers: ClinVar variation 382451 (VCV000382451.9), dbSNP rs769677489, ClinGen allele CA8130293.